The following is an entry in ClinVar:

ClinVar aggregate classification (germline): Uncertain significance (1 of 4 stars; one submission).

Submission:

Ambry Genetics
Classification: Uncertain significance. Last evaluated: 2022-10-29. Review status: criteria provided, single submitter. Criteria: Ambry Variant Classification Scheme 2023. Collection method: clinical testing. Allele origin: germline.
Comment: The p.Q1512H variant (also known as c.4536A>T), located in coding exon 4 of the ALPK2 gene, results from an A to T substitution at nucleotide position 4536. The glutamine at codon 1512 is replaced by histidine, an amino acid with highly similar properties. This amino acid position is conserved. In addition, this alteration is predicted to be tolerated by in silico analysis. Since supporting evidence is limited at this time, the clinical significance of this alteration remains unclear.

NM_052947.4(ALPK2):c.4536A>T (p.Gln1512His)

Genes: ALPK2 (alpha kinase 2; minus strand), LOC126862764 (BRD4-independent group 4 enhancer GRCh37_chr18:56202574-56203773; plus strand). Cytogenetic location: 18q21.31.
Variant type: single nucleotide variant.
Coding change: c.4536A>T on transcript NM_052947.4 (MANE Select); coding-DNA position 4536, A replaced by T.
Protein change: p.Gln1512His; replaces glutamine 1512 with histidine.
Molecular consequence: missense variant.
Genome position (GRCh38, 1-based): chr18:58,535,651, T>A on the plus strand (A>T on the coding strand, the complement: ALPK2 is on the minus strand). VCF-style: chr18-58535651-T-A. GRCh37 (hg19) VCF-style: chr18-56202883-T-A.
Other names: short protein forms Q1512H.
Identifiers: ClinVar variation 1741299 (VCV001741299.2), dbSNP rs2518874574, ClinGen allele CA402561661.